The following is an entry in ClinVar:

ClinVar aggregate classification (germline): Uncertain significance (1 of 4 stars; one submission).

Conditions:
Combined immunodeficiency due to DOCK8 deficiency (HIES2). Also called: Hyper-IgE recurrent infection syndrome, autosomal recessive; HYPER-IgE RECURRENT INFECTION SYNDROME 2, AUTOSOMAL RECESSIVE; HIES autosomal recessive; HYPER-IgE SYNDROME 2, AUTOSOMAL RECESSIVE, WITH RECURRENT INFECTIONS; DOCK8 Deficiency. Identifiers: Orphanet 217390, MedGen C4722305, MONDO:0009478, OMIM 243700.

gnomAD v4.1: 7 of 1,614,002 alleles (0.00043%); highest among the groups gnomAD compares: South Asian, 0.0055%; no homozygotes.

Submission:

Labcorp Genetics (formerly Invitae), Labcorp
Classification: Uncertain significance for Combined immunodeficiency due to DOCK8 deficiency. Last evaluated: 2024-08-20. Review status: criteria provided, single submitter. Criteria: Invitae Variant Classification Sherloc (09022015). Collection method: clinical testing. Allele origin: germline.
Comment: This sequence change replaces alanine, which is neutral and non-polar, with proline, which is neutral and non-polar, at codon 286 of the DOCK8 protein (p.Ala286Pro). This variant is present in population databases (rs543445912, gnomAD 0.01%). This variant has not been reported in the literature in individuals affected with DOCK8-related conditions. Invitae Evidence Modeling of protein sequence and biophysical properties (such as structural, functional, and spatial information, amino acid conservation, physicochemical variation, residue mobility, and thermodynamic stability) indicates that this missense variant is expected to disrupt DOCK8 protein function with a positive predictive value of 80%. In summary, the available evidence is currently insufficient to determine the role of this variant in disease. Therefore, it has been classified as a Variant of Uncertain Significance.

NM_203447.4(DOCK8):c.856G>C (p.Ala286Pro)

Gene: DOCK8 (dedicator of cytokinesis 8; plus strand). Cytogenetic location: 9p24.3.
Variant type: single nucleotide variant.
Coding change: c.856G>C on transcript NM_203447.4 (MANE Select); coding-DNA position 856, G replaced by C.
Protein change: p.Ala286Pro; replaces alanine 286 with proline.
Molecular consequence: missense variant.
Genome position (GRCh38, 1-based): chr9:325,699, G>C. VCF-style: chr9-325699-G-C. GRCh37 (hg19) VCF-style: chr9-325699-G-C.
Other names: c.652G>C, p.Ala218Pro (NM_001190458.2, NM_001193536.2); short protein forms A286P, A218P.
Identifiers: ClinVar variation 3672829 (VCV003672829.2).